The following is an entry in ClinVar:

ClinVar aggregate classification (germline): Conflicting classifications of pathogenicity. Review status: criteria provided, conflicting classifications (1 of 4 stars). 6 submissions from 6 submitters: Uncertain significance (1); Benign (1); Likely benign (4). Last evaluated 2025-12-15.

Conditions:
Breast-ovarian cancer, familial, susceptibility to, 4. Identifiers: Orphanet 145, MedGen C3280345, MONDO:0013669, OMIM 614291.
Hereditary cancer-predisposing syndrome. Also called: Tumor predisposition; Neoplastic Syndromes, Hereditary; Hereditary neoplastic syndrome; Hereditary Cancer Syndrome. Identifiers: Orphanet 140162, MedGen C0027672, MeSH D009386, MONDO:0015356.

Allele frequency attached by ClinVar (database versions not stated): gnomAD exomes below 0.00001; gnomAD 0.00001 and 0.00002; TOPMed 0.00002.
gnomAD v4.1: 6 of 1,612,142 alleles (0.00037%); highest among the groups gnomAD compares: African/African-American, 0.0027%; no homozygotes.

Submissions (6):

Labcorp Genetics (formerly Invitae), Labcorp
Classification: Likely benign for Breast-ovarian cancer, familial, susceptibility to, 4. Last evaluated: 2025-12-15. Review status: criteria provided, single submitter. Criteria: Invitae Variant Classification Sherloc (09022015). Collection method: clinical testing. Allele origin: germline.

Myriad Genetics, Inc.
Classification: Benign for Breast-ovarian cancer, familial, susceptibility to, 4. Last evaluated: 2025-02-19. Review status: criteria provided, single submitter. Criteria: Myriad Autosomal Dominant, Autosomal Recessive and X-Linked Classification Criteria (2023). Collection method: clinical testing. Allele origin: unknown.
Comment: This variant is considered benign. This variant is a silent/synonymous amino acid change and it is not expected to impact splicing.

GeneDx
Classification: Uncertain significance. Last evaluated: 2023-10-24. Review status: criteria provided, single submitter. Criteria: GeneDx Variant Classification Process June 2021. Collection method: clinical testing. Allele origin: germline. Affected: yes.
Comment: Not observed at significant frequency in large population cohorts (gnomAD); In silico analysis supports that this variant does not alter splicing; Has not been previously published as pathogenic or benign to our knowledge

Sema4
Classification: Likely benign for Hereditary cancer-predisposing syndrome. Last evaluated: 2022-02-16. Review status: criteria provided, single submitter. Criteria: Sema4 Curation Guidelines. Collection method: curation. Allele origin: germline.

Women's Health and Genetics/Laboratory Corporation of America, LabCorp
Classification: Likely benign. Last evaluated: 2019-08-29. Review status: criteria provided, single submitter. Criteria: LabCorp Variant Classification Summary - May 2015. Collection method: clinical testing. Allele origin: germline.

Ambry Genetics
Classification: Likely benign for Hereditary cancer-predisposing syndrome. Last evaluated: 2018-07-02. Review status: criteria provided, single submitter. Criteria: Ambry Variant Classification Scheme 2023. Collection method: clinical testing. Allele origin: germline.

NM_002878.4(RAD51D):c.22C>T (p.Leu8=)

Genes: RAD51L3-RFFL (RAD51L3-RFFL readthrough; minus strand), RAD51D (RAD51 paralog D; minus strand). Cytogenetic location: 17q12.
Variant type: single nucleotide variant.
Coding change: c.22C>T on transcript NM_002878.4 (MANE Select); coding-DNA position 22, C replaced by T.
Protein change: p.Leu8=; no amino-acid change (leucine 8 retained).
Molecular consequence: synonymous variant. On other transcripts: non-coding transcript variant (2).
Genome position (GRCh38, 1-based): chr17:35,119,592, G>A on the plus strand (C>T on the coding strand, the complement: RAD51D is on the minus strand). VCF-style: chr17-35119592-G-A. GRCh37 (hg19) VCF-style: chr17-33446611-G-A.
Other names: c.22C>T, p.Leu8= (NM_001142571.2, NM_133629.3).
Identifiers: ClinVar variation 416199 (VCV000416199.22), dbSNP rs876659203, ClinGen allele CA16615738.